The following is an entry in ClinVar:

ClinVar aggregate classification (germline): Uncertain significance. Review status: criteria provided, multiple submitters, no conflicts (2 of 4 stars). 3 submissions from 3 submitters: Uncertain significance (3). Last evaluated 2023-11-28.

Conditions:
Inborn genetic diseases. Identifiers: MedGen C0950123, MeSH D030342.

Allele frequency attached by ClinVar (database versions not stated): TOPMed below 0.00001; gnomAD exomes 0.00001.
gnomAD v4.1: 3 of 1,611,278 alleles (0.00019%); highest among the groups gnomAD compares: Admixed American, 0.005%; no homozygotes.

Submissions (3):

Ambry Genetics
Classification: Uncertain significance for Inborn genetic diseases. Last evaluated: 2023-11-28. Review status: criteria provided, single submitter. Criteria: Ambry Variant Classification Scheme 2023. Collection method: clinical testing. Allele origin: germline.

Labcorp Genetics (formerly Invitae), Labcorp
Classification: Uncertain significance. Last evaluated: 2022-08-10. Review status: criteria provided, single submitter. Criteria: Invitae Variant Classification Sherloc (09022015). Collection method: clinical testing. Allele origin: germline.
Comment: This sequence change replaces phenylalanine, which is neutral and non-polar, with leucine, which is neutral and non-polar, at codon 520 of the ADGRV1 protein (p.Phe520Leu). This variant is present in population databases (no rsID available, gnomAD 0.009%). This variant has not been reported in the literature in individuals affected with ADGRV1-related conditions. ClinVar contains an entry for this variant (Variation ID: 1495559). Algorithms developed to predict the effect of missense changes on protein structure and function output the following: SIFT: "Tolerated"; PolyPhen-2: "Benign"; Align-GVGD: "Class C0". The leucine amino acid residue is found in multiple mammalian species, which suggests that this missense change does not adversely affect protein function. In summary, the available evidence is currently insufficient to determine the role of this variant in disease. Therefore, it has been classified as a Variant of Uncertain Significance.

Blueprint Genetics
Classification: Uncertain significance. Last evaluated: 2019-02-08. Review status: criteria provided, single submitter. Criteria: ACMG Guidelines, 2015. Collection method: clinical testing. Allele origin: germline.

NM_032119.4(ADGRV1):c.1558T>C (p.Phe520Leu)

Gene: ADGRV1 (adhesion G protein-coupled receptor V1; plus strand). Cytogenetic location: 5q14.3.
Variant type: single nucleotide variant.
Coding change: c.1558T>C on transcript NM_032119.4 (MANE Select); coding-DNA position 1558, T replaced by C.
Protein change: p.Phe520Leu; replaces phenylalanine 520 with leucine.
Molecular consequence: missense variant. On other transcripts: non-coding transcript variant (1).
Genome position (GRCh38, 1-based): chr5:90,629,258, T>C. VCF-style: chr5-90629258-T-C. GRCh37 (hg19) VCF-style: chr5-89925075-T-C.
Other names: c.1558T>C (NM_032119.3); short protein forms F520L.
Identifiers: ClinVar variation 1495559 (VCV001495559.7), dbSNP rs1369247634, ClinGen allele CA360373343.